The following is an entry in ClinVar:

ClinVar aggregate classification (germline): Uncertain significance (1 of 4 stars; one submission).

Submission:

GeneDx
Classification: Uncertain significance. Last evaluated: 2023-03-22. Review status: criteria provided, single submitter. Criteria: GeneDx Variant Classification Process June 2021. Collection method: clinical testing. Allele origin: germline. Affected: yes.
Comment: Not observed at significant frequency in large population cohorts (gnomAD); In silico analysis supports that this missense variant has a deleterious effect on protein structure/function; Has not been previously published as pathogenic or benign to our knowledge

NM_015386.3(COG4):c.665T>C (p.Phe222Ser)

Gene: COG4 (component of oligomeric golgi complex 4; minus strand). Cytogenetic location: 16q22.1.
Variant type: single nucleotide variant.
Coding change: c.665T>C on transcript NM_015386.3 (MANE Select); coding-DNA position 665, T replaced by C.
Protein change: p.Phe222Ser; replaces phenylalanine 222 with serine.
Molecular consequence: missense variant. On other transcripts: non-coding transcript variant (1).
Genome position (GRCh38, 1-based): chr16:70,512,312, A>G on the plus strand (T>C on the coding strand, the complement: COG4 is on the minus strand). VCF-style: chr16-70512312-A-G. GRCh37 (hg19) VCF-style: chr16-70546215-A-G.
Other names: c.653T>C, p.Phe218Ser (NM_001195139.2); c.239T>C, p.Phe80Ser (NM_001365426.1); short protein forms F218S, F222S, F80S.
Identifiers: ClinVar variation 2580671 (VCV002580671.1), dbSNP rs2507536868, ClinGen allele CA396576854.
Genomic context (GRCh38, chr16:70,512,312, plus strand): 5'-TACTCCGAGAACTTTCTTAATCCCTCCTCATGCAAACCCAGCAGTGGGAAGATCTTGAAG[A>G]AGCGCTCCACCTGGGGCAGATCACCTTCCTTGGTGGCAATGGCAAACTTCTCTGCCACAA-3'
Protein context (NP_056201.2, residues 212-232): KEGDLPQVER[Phe222Ser]FKIFPLLGLH